The following is an entry in ClinVar:

NM_006739.4(MCM5):c.968G>A (p.Arg323His)

Gene: MCM5 (minichromosome maintenance complex component 5; plus strand). Cytogenetic location: 22q12.3.
Variant type: single nucleotide variant.
Coding change: c.968G>A on transcript NM_006739.4 (MANE Select); coding-DNA position 968, G replaced by A.
Protein change: p.Arg323His; replaces arginine 323 with histidine.
Molecular consequence: missense variant.
Genome position (GRCh38, 1-based): chr22:35,412,558, G>A. VCF-style: chr22-35412558-G-A. GRCh37 (hg19) VCF-style: chr22-35808551-G-A.
Other names: c.968G>A (NM_006739.3); short protein forms R323H.
Identifiers: ClinVar variation 2969583 (VCV002969583.4), dbSNP rs778711454, ClinGen allele CA10205230.

ClinVar aggregate classification (germline): Uncertain significance. Review status: criteria provided, multiple submitters, no conflicts (2 of 4 stars). 2 submissions from 2 submitters: Uncertain significance (2). Last evaluated 2024-02-21.

Allele frequency attached by ClinVar (database versions not stated): TOPMed below 0.00001; ExAC 0.00001; gnomAD exomes 0.00001.
gnomAD v4.1: 20 of 1,580,152 alleles (0.0013%); highest among the groups gnomAD compares: East Asian, 0.031%; no homozygotes.

Submissions (2):

Ambry Genetics
Classification: Uncertain significance. Last evaluated: 2024-02-21. Review status: criteria provided, single submitter. Criteria: Ambry Variant Classification Scheme 2023. Collection method: clinical testing. Allele origin: germline.

Labcorp Genetics (formerly Invitae), Labcorp
Classification: Uncertain significance. Last evaluated: 2023-10-13. Review status: criteria provided, single submitter. Criteria: Invitae Variant Classification Sherloc (09022015). Collection method: clinical testing. Allele origin: germline.
Comment: This sequence change replaces arginine, which is basic and polar, with histidine, which is basic and polar, at codon 323 of the MCM5 protein (p.Arg323His). The frequency data for this variant in the population databases is considered unreliable, as metrics indicate poor data quality at this position in the gnomAD database. This variant has not been reported in the literature in individuals affected with MCM5-related conditions. Advanced modeling of protein sequence and biophysical properties (such as structural, functional, and spatial information, amino acid conservation, physicochemical variation, residue mobility, and thermodynamic stability) performed at Invitae indicates that this missense variant is not expected to disrupt MCM5 protein function. In summary, the available evidence is currently insufficient to determine the role of this variant in disease. Therefore, it has been classified as a Variant of Uncertain Significance.